The following is an entry in ClinVar:

ClinVar aggregate classification (germline): Uncertain significance (1 of 4 stars; one submission).

gnomAD v4.1: 1 of 1,614,172 alleles (0.000062%); highest among the groups gnomAD compares: Non-Finnish European, 0.000085%; no homozygotes.

Submission:

Ambry Genetics
Classification: Uncertain significance. Last evaluated: 2025-01-23. Review status: criteria provided, single submitter. Criteria: Ambry Variant Classification Scheme 2023. Collection method: clinical testing. Allele origin: germline.
Comment: The p.N75D variant (also known as c.223A>G), located in coding exon 3 of the KIF1B gene, results from an A to G substitution at nucleotide position 223. The asparagine at codon 75 is replaced by aspartic acid, an amino acid with highly similar properties. This amino acid position is well conserved in available vertebrate species. In addition, the in silico prediction for this alteration is inconclusive. The evidence for this gene-disease relationship is limited; therefore, the clinical significance of this alteration is unclear.

NM_001365951.3(KIF1B):c.223A>G (p.Asn75Asp)

Gene: KIF1B (kinesin family member 1B; plus strand). Cytogenetic location: 1p36.22.
Variant type: single nucleotide variant.
Coding change: c.223A>G on transcript NM_001365951.3 (MANE Select); coding-DNA position 223, A replaced by G.
Protein change: p.Asn75Asp; replaces asparagine 75 with aspartic acid.
Molecular consequence: missense variant.
Genome position (GRCh38, 1-based): chr1:10,258,532, A>G. VCF-style: chr1-10258532-A-G. GRCh37 (hg19) VCF-style: chr1-10318590-A-G.
Other names: c.223A>G, p.Asn75Asp (NM_001365952.1, NM_001365953.1, NM_015074.3 and 1 more transcripts); short protein forms N75D.
Identifiers: ClinVar variation 3864026 (VCV003864026.1).
Genomic context (GRCh38, chr1:10,258,532, plus strand): 5'-TTCTCCTTTTACTCTTTACAGCCCGAAGATCCCTGTTTTGCATCTCAAAACCGTGTGTAC[A>G]ATGACATTGGCAAGGAAATGCTCTTACACGCCTTTGAGGGATATAATGTCTGTATTTTTG-3'
Protein context (NP_001352880.1, residues 65-85): PCFASQNRVY[Asn75Asp]DIGKEMLLHA